The following is an entry in ClinVar:

NM_001165963.4(SCN1A):c.3550+6G>T

Genes: SCN1A (sodium voltage-gated channel alpha subunit 1; minus strand), LOC102724058 (uncharacterized LOC102724058; plus strand). Cytogenetic location: 2q24.3.
Variant type: single nucleotide variant.
Coding change: c.3550+6G>T on transcript NM_001165963.4 (MANE Select); 6 bases into the intron after coding-DNA position 3550, G replaced by T.
Molecular consequence: intron variant.
Genome position (GRCh38, 1-based): chr2:166,015,601, C>A on the plus strand (G>T on the coding strand, the complement: SCN1A is on the minus strand). VCF-style: chr2-166015601-C-A. GRCh37 (hg19) VCF-style: chr2-166872111-C-A.
Other names: c.3517+6G>T (NM_001353949.2, NM_001353950.2, NM_001353952.2 and 2 more transcripts); c.3466+6G>T (NM_001353958.2, NM_001165964.3, NM_001353957.2); c.1108+6G>T (NM_001353961.2); c.3463+6G>T (NM_001353960.2); c.3514+6G>T (NM_001353954.2, NM_001353955.2); c.3550+6G>T (NM_001202435.3, NM_001353948.2).
Identifiers: ClinVar variation 2753901 (VCV002753901.3), dbSNP rs374442336, ClinGen allele CA537135445.

ClinVar aggregate classification (germline): Uncertain significance (1 of 4 stars; one submission).

Conditions:
Early-infantile DEE. Also called: Ohtahara syndrome; Early infantile epileptic encephalopathy; Early infantile epileptic encephalopathy with suppression bursts. Identifiers: Orphanet 1934, MedGen C0393706, MONDO:0800491.

Allele frequency attached by ClinVar (database versions not stated): TOPMed below 0.00001; gnomAD exomes below 0.00001; gnomAD 0.00001.
gnomAD v4.1: 4 of 1,612,268 alleles (0.00025%); highest among the groups gnomAD compares: Non-Finnish European, 0.00034%; no homozygotes.

Submission:

Labcorp Genetics (formerly Invitae), Labcorp
Classification: Uncertain significance for Early-infantile DEE. Last evaluated: 2023-09-22. Review status: criteria provided, single submitter. Criteria: Invitae Variant Classification Sherloc (09022015). Collection method: clinical testing. Allele origin: germline.
Comment: Variants that disrupt the consensus splice site are a relatively common cause of aberrant splicing (PMID: 17576681, 9536098). Algorithms developed to predict the effect of sequence changes on RNA splicing suggest that this variant is not likely to affect RNA splicing. In summary, the available evidence is currently insufficient to determine the role of this variant in disease. Therefore, it has been classified as a Variant of Uncertain Significance. This variant has not been reported in the literature in individuals affected with SCN1A-related conditions. This variant is present in population databases (no rsID available, gnomAD 0.0009%). This sequence change falls in intron 17 of the SCN1A gene. It does not directly change the encoded amino acid sequence of the SCN1A protein. It affects a nucleotide within the consensus splice site.

Literature cited by the submitters: PubMed 17576681; PubMed 9536098.